The following is an entry in ClinVar:

NM_006080.3(SEMA3A):c.259G>C (p.Asp87His)

Gene: SEMA3A (semaphorin 3A; minus strand). Cytogenetic location: 7q21.11.
Variant type: single nucleotide variant.
Coding change: c.259G>C on transcript NM_006080.3 (MANE Select); coding-DNA position 259, G replaced by C.
Protein change: p.Asp87His; replaces aspartic acid 87 with histidine.
Molecular consequence: missense variant.
Genome position (GRCh38, 1-based): chr7:84,134,805, C>G on the plus strand (G>C on the coding strand, the complement: SEMA3A is on the minus strand). VCF-style: chr7-84134805-C-G. GRCh37 (hg19) VCF-style: chr7-83764121-C-G.
Other names: short protein forms D87H.
Identifiers: ClinVar variation 4630462 (VCV004630462.2).

ClinVar aggregate classification (germline): Uncertain significance. Review status: criteria provided, multiple submitters, no conflicts (2 of 4 stars). 2 submissions from 2 submitters: Uncertain significance (2). Last evaluated 2025-12-08.

Conditions:
Inborn genetic diseases. Identifiers: MedGen C0950123, MeSH D030342.

gnomAD v4.1: 4 of 1,609,696 alleles (0.00025%); highest among the groups gnomAD compares: Admixed American, 0.0034%; no homozygotes.

Submissions (2):

Ambry Genetics
Classification: Uncertain significance for Inborn genetic diseases. Last evaluated: 2025-12-08. Review status: criteria provided, single submitter. Criteria: Ambry Variant Classification Scheme 2023. Collection method: clinical testing. Allele origin: germline.

Labcorp Genetics (formerly Invitae), Labcorp
Classification: Uncertain significance. Last evaluated: 2025-03-19. Review status: criteria provided, single submitter. Criteria: Invitae Variant Classification Sherloc (09022015). Collection method: clinical testing. Allele origin: germline.
Comment: This sequence change replaces aspartic acid, which is acidic and polar, with histidine, which is basic and polar, at codon 87 of the SEMA3A protein (p.Asp87His). This variant is present in population databases (rs781641329, gnomAD 0.003%). This variant has not been reported in the literature in individuals affected with SEMA3A-related conditions. Invitae Evidence Modeling of protein sequence and biophysical properties (such as structural, functional, and spatial information, amino acid conservation, physicochemical variation, residue mobility, and thermodynamic stability) indicates that this missense variant is not expected to disrupt SEMA3A protein function with a negative predictive value of 80%. In summary, the available evidence is currently insufficient to determine the role of this variant in disease. Therefore, it has been classified as a Variant of Uncertain Significance.